The following is an entry in ClinVar:

NM_015122.3(FCHO1):c.928C>T (p.Leu310=)

Gene: FCHO1 (FCH and mu domain containing endocytic adaptor 1; plus strand). Cytogenetic location: 19p13.11.
Variant type: single nucleotide variant.
Coding change: c.928C>T on transcript NM_015122.3 (MANE Select); coding-DNA position 928, C replaced by T.
Protein change: p.Leu310=; no amino-acid change (leucine 310 retained).
Molecular consequence: synonymous variant. On other transcripts: non-coding transcript variant (36).
Genome position (GRCh38, 1-based): chr19:17,775,063, C>T. VCF-style: chr19-17775063-C-T. GRCh37 (hg19) VCF-style: chr19-17885872-C-T.
Other names: c.928C>T, p.Leu310= (NM_001161357.2, NM_001161358.2, NM_001384370.1 and 25 more transcripts); c.778C>T, p.Leu260= (NM_001161359.2, NM_001384384.1, NM_001384385.1 and 3 more transcripts); c.889C>T, p.Leu297= (NM_001384388.1, NM_001384389.1, NM_001384405.1); c.853C>T, p.Leu285= (NM_001384390.1); c.883C>T, p.Leu295= (NM_001384403.1).
Identifiers: ClinVar variation 2076291 (VCV002076291.29), dbSNP rs372803308, ClinGen allele CA9300310.

ClinVar aggregate classification (germline): Likely benign. Review status: criteria provided, multiple submitters, no conflicts (2 of 4 stars). 3 submissions from 3 submitters: Likely benign (3). Last evaluated 2026-01-05.

Allele frequency attached by ClinVar (database versions not stated): ExAC 0.00002; gnomAD 0.00003; TOPMed 0.00003; gnomAD exomes 0.00004; ESP Exome Variant Server 0.00008.
gnomAD v4.1: 71 of 1,613,438 alleles (0.0044%); highest among the groups gnomAD compares: Middle Eastern, 0.099%; no homozygotes.

Submissions (3):

Labcorp Genetics (formerly Invitae), Labcorp
Classification: Likely benign. Last evaluated: 2026-01-05. Review status: criteria provided, single submitter. Criteria: Invitae Variant Classification Sherloc (09022015). Collection method: clinical testing. Allele origin: germline.

Blueprint Genetics
Classification: Likely benign. Last evaluated: 2023-03-16. Review status: criteria provided, single submitter. Criteria: ACMG Guidelines, 2015. Collection method: clinical testing. Allele origin: germline.

CeGaT Center for Human Genetics Tuebingen
Classification: Likely benign. Last evaluated: 2022-07-01. Review status: criteria provided, single submitter. Criteria: CeGaT Center For Human Genetics Tuebingen Variant Classification Criteria Version 2. Collection method: clinical testing. Allele origin: germline. Affected: yes. Observed: 1 variant allele.
Comment: FCHO1: BP4, BP7